The following is an entry in ClinVar:

ClinVar aggregate classification (germline): Uncertain significance (1 of 4 stars; one submission).

Conditions:
Intellectual developmental disorder, autosomal dominant 1. Also called: Intellectual disability, autosomal dominant 1; MBD5 Haploinsufficiency. Identifiers: Orphanet 228402, MedGen C1969562, MONDO:0007974, OMIM 156200.

gnomAD v4.1: 1 of 1,613,234 alleles (0.000062%); highest among the groups gnomAD compares: Non-Finnish European, 0.000085%; no homozygotes.

Submission:

Labcorp Genetics (formerly Invitae), Labcorp
Classification: Uncertain significance for Intellectual developmental disorder, autosomal dominant 1. Last evaluated: 2024-02-24. Review status: criteria provided, single submitter. Criteria: Invitae Variant Classification Sherloc (09022015). Collection method: clinical testing. Allele origin: germline.
Comment: This sequence change replaces threonine, which is neutral and polar, with arginine, which is basic and polar, at codon 818 of the MBD5 protein (p.Thr818Arg). This variant is not present in population databases (gnomAD no frequency). This variant has not been reported in the literature in individuals affected with MBD5-related conditions. ClinVar contains an entry for this variant (Variation ID: 1040065). Advanced modeling of protein sequence and biophysical properties (such as structural, functional, and spatial information, amino acid conservation, physicochemical variation, residue mobility, and thermodynamic stability) performed at Invitae indicates that this missense variant is not expected to disrupt MBD5 protein function with a negative predictive value of 80%. In summary, the available evidence is currently insufficient to determine the role of this variant in disease. Therefore, it has been classified as a Variant of Uncertain Significance.

NM_001378120.1(MBD5):c.2453C>G (p.Thr818Arg)

Gene: MBD5 (methyl-CpG binding domain protein 5; plus strand). Cytogenetic location: 2q23.1.
Variant type: single nucleotide variant.
Coding change: c.2453C>G on transcript NM_001378120.1 (MANE Select); coding-DNA position 2453, C replaced by G.
Protein change: p.Thr818Arg; replaces threonine 818 with arginine.
Molecular consequence: missense variant.
Genome position (GRCh38, 1-based): chr2:148,470,396, C>G. VCF-style: chr2-148470396-C-G. GRCh37 (hg19) VCF-style: chr2-149227965-C-G.
Other names: c.2453C>G, p.Thr818Arg (NM_018328.5); short protein forms T818R.
Identifiers: ClinVar variation 1040065 (VCV001040065.10), dbSNP rs1413186409, ClinGen allele CA348721897.